The following is an entry in ClinVar:

ClinVar aggregate classification (germline): Benign/Likely benign. Review status: criteria provided, multiple submitters, no conflicts (2 of 4 stars). 2 submissions from 2 submitters: Benign (1); Likely benign (1). Last evaluated 2026-08-01.

Allele frequency attached by ClinVar (database versions not stated): gnomAD 0.00003; gnomAD exomes 0.00005 and 0.00028; TOPMed 0.00005; ExAC 0.00008; ESP Exome Variant Server 0.00019.
gnomAD v4.1: 296 of 1,205,732 alleles (0.025%); highest among the groups gnomAD compares: Non-Finnish European, 0.033%; 1 homozygote.

Submissions (2):

CeGaT Center for Human Genetics Tuebingen
Classification: Likely benign. Last evaluated: 2026-08-01. Review status: criteria provided, single submitter. Criteria: CeGaT Center For Human Genetics Tuebingen Variant Classification Criteria Version 2. Collection method: clinical testing. Allele origin: germline. Affected: yes. Observed: 1 variant allele.
Comment: STAG2: BP4, BP7, BS2

Labcorp Genetics (formerly Invitae), Labcorp
Classification: Benign. Last evaluated: 2025-09-10. Review status: criteria provided, single submitter. Criteria: Invitae Variant Classification Sherloc (09022015). Collection method: clinical testing. Allele origin: germline.

NM_001042750.2(STAG2):c.3669T>C (p.Asn1223=)

Gene: STAG2 (STAG2 cohesin complex component; plus strand). Cytogenetic location: Xq25.
Variant type: single nucleotide variant.
Coding change: c.3669T>C on transcript NM_001042750.2 (MANE Select); coding-DNA position 3669, T replaced by C.
Protein change: p.Asn1223=; no amino-acid change (asparagine 1223 retained).
Molecular consequence: synonymous variant.
Genome position (GRCh38, 1-based): chrX:124,094,108, T>C. VCF-style: chrX-124094108-T-C. GRCh37 (hg19) VCF-style: chrX-123227958-T-C.
Other names: c.3669T>C, p.Asn1223= (NM_001042749.2, NM_001375366.1, NM_001375367.1 and 5 more transcripts); c.3558T>C, p.Asn1186= (NM_001042751.2, NM_001282418.2, NM_001375373.1 and 5 more transcripts).
Identifiers: ClinVar variation 1596114 (VCV001596114.9), dbSNP rs372132155, ClinGen allele CA10509189.